The following is an entry in ClinVar:

NM_002693.3(POLG):c.3382C>T (p.Arg1128Cys)

Gene: POLG (DNA polymerase gamma, catalytic subunit; minus strand). Cytogenetic location: 15q26.1.
Variant type: single nucleotide variant.
Coding change: c.3382C>T on transcript NM_002693.3 (MANE Select); coding-DNA position 3382, C replaced by T.
Protein change: p.Arg1128Cys; replaces arginine 1128 with cysteine.
Molecular consequence: missense variant.
Genome position (GRCh38, 1-based): chr15:89,318,641, G>A on the plus strand (C>T on the coding strand, the complement: POLG is on the minus strand). VCF-style: chr15-89318641-G-A. GRCh37 (hg19) VCF-style: chr15-89861872-G-A.
Other names: p.R1128C:CGC>TGC; c.3382C>T, p.Arg1128Cys (NM_001126131.2); short protein forms R1128C.
Identifiers: ClinVar variation 206563 (VCV000206563.27), dbSNP rs755544706, ClinGen allele CA316770.

ClinVar aggregate classification (germline): Uncertain significance. Review status: criteria provided, multiple submitters, no conflicts (2 of 4 stars). 4 submissions from 4 submitters: Uncertain significance (4). Last evaluated 2025-12-14.

Conditions:
Progressive external ophthalmoplegia with mitochondrial DNA deletions, autosomal recessive 1 (PEOB1). Also called: Progressive external ophthalmoplegia, autosomal recessive 1; Autosomal Recessive Progressive External Ophthalmoplegia (arPEO). Identifiers: Orphanet 254886, MedGen C4225153, MONDO:0009783, OMIM 258450.
Sensory ataxic neuropathy, dysarthria, and ophthalmoparesis (SANDO). Also called: Sensory ataxic neuropathy-dysarthria-ophthalmoparesis syndrome; Ataxia Neuropathy Spectrum (ANS); SENSORY ATAXIC NEUROPATHY WITH MITOCHONDRIAL DNA DELETIONS, AUTOSOMAL RECESSIVE; Epilepsy, progressive myoclonic, type 5. Identifiers: Orphanet 70595, MedGen C1843851, MONDO:0011835, OMIM 607459.
Mitochondrial DNA depletion syndrome 4b. Also called: Mitochondrial Neurogastrointestinal Encephalopathy Disease, POLG-Related; MNGIE, POLG-RELATED. Identifiers: Orphanet 298, MedGen C3150914, MONDO:0013350, OMIM 613662.
Progressive sclerosing poliodystrophy (MTDPS4A). Also called: Mitochondrial DNA depletion syndrome 4A (Alpers type); Mitochondrial DNA Depletion Syndrome 4A; ALPERS PROGRESSIVE INFANTILE POLIODYSTROPHY; Alpers-Huttenlocher Syndrome; Alpers Syndrome; ALPERS DIFFUSE DEGENERATION OF CEREBRAL GRAY MATTER WITH HEPATIC CIRRHOSIS. Identifiers: Orphanet 726, MedGen C0205710, MONDO:0008758, OMIM 203700.

Allele frequency attached by ClinVar (database versions not stated): gnomAD 0.00001 and 0.00002; gnomAD exomes 0.00001 and 0.00002; TOPMed 0.00002; ExAC 0.00003.
gnomAD v4.1: 23 of 1,614,030 alleles (0.0014%); highest among the groups gnomAD compares: Middle Eastern, 0.049%; no homozygotes.

Submissions (4):

Labcorp Genetics (formerly Invitae), Labcorp
Classification: Uncertain significance for Progressive sclerosing poliodystrophy. Last evaluated: 2025-12-14. Review status: criteria provided, single submitter. Criteria: Invitae Variant Classification Sherloc (09022015). Collection method: clinical testing. Allele origin: germline.
Comment: This sequence change replaces arginine, which is basic and polar, with cysteine, which is neutral and slightly polar, at codon 1128 of the POLG protein (p.Arg1128Cys). This variant is present in population databases (rs755544706, gnomAD 0.005%). This missense change has been observed in individual(s) with Parkinson’s disease (PMID: 32613234). ClinVar contains an entry for this variant (Variation ID: 206563). Invitae Evidence Modeling of protein sequence and biophysical properties (such as structural, functional, and spatial information, amino acid conservation, physicochemical variation, residue mobility, and thermodynamic stability) indicates that this missense variant is expected to disrupt POLG protein function with a positive predictive value of 95%. In summary, the available evidence is currently insufficient to determine the role of this variant in disease. Therefore, it has been classified as a Variant of Uncertain Significance.

CeGaT Center for Human Genetics Tuebingen
Classification: Uncertain significance. Last evaluated: 2024-09-01. Review status: criteria provided, single submitter. Criteria: CeGaT Center For Human Genetics Tuebingen Variant Classification Criteria Version 2. Collection method: clinical testing. Allele origin: germline. Affected: yes. Observed: 1 variant allele.
Comment: POLG: PM2, PM3:Supporting, PM5:Supporting, PP3

GeneDx
Classification: Uncertain significance. Last evaluated: 2024-06-04. Review status: criteria provided, single submitter. Criteria: GeneDx Variant Classification Process June 2021. Collection method: clinical testing. Allele origin: germline. Affected: yes.
Comment: In silico analysis supports that this missense variant has a deleterious effect on protein structure/function; This variant is associated with the following publications: (PMID: 23313956, 32613234)

Kariminejad - Najmabadi Pathology & Genetics Center
Classification: Uncertain significance for Mitochondrial DNA depletion syndrome 4b; Progressive external ophthalmoplegia with mitochondrial DNA deletions, autosomal recessive 1; Sensory ataxic neuropathy, dysarthria, and ophthalmoparesis. Last evaluated: 2024-04-03. Review status: criteria provided, single submitter. Criteria: ACMG Guidelines, 2015. Collection method: clinical testing. Allele origin: germline. Inheritance: Autosomal recessive inheritance. Affected: yes.
Comment: PM2,PP3(Moderate),PM5(Supporting)

Literature cited by the submitters: PubMed 32613234 (cited by Labcorp Genetics (formerly Invitae), Labcorp).